The following is an entry in ClinVar:

ClinVar aggregate classification (germline): Likely pathogenic (1 of 4 stars; one submission).

Submission:

GeneDx
Classification: Likely pathogenic. Last evaluated: 2023-03-30. Review status: criteria provided, single submitter. Criteria: GeneDx Variant Classification Process June 2021. Collection method: clinical testing. Allele origin: germline. Affected: yes.
Comment: Not observed at significant frequency in large population cohorts (gnomAD); In silico analysis supports that this missense variant has a deleterious effect on protein structure/function; Identified in two family members with core myopathy, but it is unknown whether this family was screened for variants in other genes associated with myopathy (Fusto et al., 2022); This variant is associated with the following publications: (PMID: 33767344, 20681998, 35428369)

NM_000540.3(RYR1):c.14815G>T (p.Asp4939Tyr)

Gene: RYR1 (ryanodine receptor 1; plus strand). Cytogenetic location: 19q13.2.
Variant type: single nucleotide variant.
Coding change: c.14815G>T on transcript NM_000540.3 (MANE Select); coding-DNA position 14815, G replaced by T.
Protein change: p.Asp4939Tyr; replaces aspartic acid 4939 with tyrosine.
Molecular consequence: missense variant.
Genome position (GRCh38, 1-based): chr19:38,585,949, G>T. VCF-style: chr19-38585949-G-T. GRCh37 (hg19) VCF-style: chr19-39076589-G-T.
Other names: c.14800G>T, p.Asp4934Tyr (NM_001042723.2); short protein forms D4934Y, D4939Y.
Identifiers: ClinVar variation 2581842 (VCV002581842.1), dbSNP rs760010175, ClinGen allele CA405692192.